The following is an entry in ClinVar:

ClinVar aggregate classification (germline): Pathogenic (0 of 4 stars; one submission).

Conditions:
Chromosome 22q11.2 microduplication syndrome. Also called: 22q11.2 microduplication syndrome; CHROMOSOME 22q11.2 DUPLICATION SYNDROME. Identifiers: Orphanet 1727, MedGen C2675369, MONDO:0012020, OMIM 608363.

Submission:

Shanghai First Maternity and Infant Hospital, Tongji University
Classification: Pathogenic for Chromosome 22q11.2 microduplication syndrome. Last evaluated: 2019-03-02. Review status: no assertion criteria provided. Collection method: clinical testing. Allele origin: paternal. Affected: no. Observed: 1 variant allele.

GRCh37/hg19 22q11.21(chr22:18648855-21927646)x3

Genes: AIFM3 (AIF family member 3; plus strand), ARVCF (ARVCF delta catenin family member; minus strand), C22orf39 (chromosome 22 open reading frame 39; minus strand), CDC45 (cell division cycle 45; plus strand), CLDN5 (claudin 5; minus strand) and 49 more. Cytogenetic location: 22q11.21.
Variant type: copy number gain.
Change: copy number 3 (three copies instead of two) of chr22:18,648,855-21,927,646 (3.28 Mb, GRCh37 coordinates, 1-based), cytogenetic band 22q11.21.
Identifiers: ClinVar variation 636287 (VCV000636287.2).